The following is an entry in ClinVar:

NM_014915.3(ANKRD26):c.28G>C (p.Glu10Gln)

Genes: ANKRD26 (ankyrin repeat domain containing 26; minus strand), LOC130003554 (ATAC-STARR-seq lymphoblastoid silent region 2243; plus strand). Cytogenetic location: 10p12.1.
Variant type: single nucleotide variant.
Coding change: c.28G>C on transcript NM_014915.3 (MANE Select); coding-DNA position 28, G replaced by C.
Protein change: p.Glu10Gln; replaces glutamic acid 10 with glutamine.
Molecular consequence: missense variant.
Genome position (GRCh38, 1-based): chr10:27,100,299, C>G on the plus strand (G>C on the coding strand, the complement: ANKRD26 is on the minus strand). VCF-style: chr10-27100299-C-G. GRCh37 (hg19) VCF-style: chr10-27389228-C-G.
Other names: c.28G>C, p.Glu10Gln (NM_001256053.2); short protein forms E10Q.
Identifiers: ClinVar variation 3912521 (VCV003912521.1).

ClinVar aggregate classification (germline): Uncertain significance (1 of 4 stars; one submission).

Conditions:
Inborn genetic diseases. Identifiers: MedGen C0950123, MeSH D030342.

Submission:

Ambry Genetics
Classification: Uncertain significance for Inborn genetic diseases. Last evaluated: 2025-05-27. Review status: criteria provided, single submitter. Criteria: Ambry Variant Classification Scheme 2023. Collection method: clinical testing. Allele origin: germline.
Comment: The p.E10Q variant (also known as c.28G>C), located in coding exon 1 of the ANKRD26 gene, results from a G to C substitution at nucleotide position 28. The glutamic acid at codon 10 is replaced by glutamine, an amino acid with highly similar properties. This amino acid position is conserved. In addition, this alteration is predicted to be tolerated by in silico analysis. Based on the available evidence, the clinical significance of this variant remains unclear.